The following is an entry in ClinVar:

NM_130466.4(UBE3B):c.2949G>A (p.Pro983=)

Gene: UBE3B (ubiquitin protein ligase E3B; plus strand). Cytogenetic location: 12q24.11.
Variant type: single nucleotide variant.
Coding change: c.2949G>A on transcript NM_130466.4 (MANE Select); coding-DNA position 2949, G replaced by A.
Protein change: p.Pro983=; no amino-acid change (proline 983 retained).
Molecular consequence: synonymous variant.
Genome position (GRCh38, 1-based): chr12:109,533,492, G>A. VCF-style: chr12-109533492-G-A. GRCh37 (hg19) VCF-style: chr12-109971297-G-A.
Other names: c.2949G>A, p.Pro983= (NM_183415.3).
Identifiers: ClinVar variation 2055095 (VCV002055095.24), dbSNP rs763894625, ClinGen allele CA6778383.

ClinVar aggregate classification (germline): Likely benign. Review status: criteria provided, multiple submitters, no conflicts (2 of 4 stars). 2 submissions from 2 submitters: Likely benign (2). Last evaluated 2025-06-03.

Allele frequency attached by ClinVar (database versions not stated): gnomAD 0.00003; ExAC 0.00004; gnomAD exomes 0.00009.
gnomAD v4.1: 134 of 1,613,936 alleles (0.0083%); highest among the groups gnomAD compares: East Asian, 0.04%; no homozygotes.

Submissions (2):

Labcorp Genetics (formerly Invitae), Labcorp
Classification: Likely benign. Last evaluated: 2025-06-03. Review status: criteria provided, single submitter. Criteria: Invitae Variant Classification Sherloc (09022015). Collection method: clinical testing. Allele origin: germline.

CeGaT Center for Human Genetics Tuebingen
Classification: Likely benign. Last evaluated: 2024-11-01. Review status: criteria provided, single submitter. Criteria: CeGaT Center For Human Genetics Tuebingen Variant Classification Criteria Version 2. Collection method: clinical testing. Allele origin: germline. Affected: yes. Observed: 2 variant alleles.
Comment: UBE3B: BP4, BP7